The following is an entry in ClinVar:

NM_001134831.2(AHI1):c.1507A>G (p.Thr503Ala)

Gene: AHI1 (Abelson helper integration site 1; minus strand). Cytogenetic location: 6q23.3.
Variant type: single nucleotide variant.
Coding change: c.1507A>G on transcript NM_001134831.2 (MANE Select); coding-DNA position 1507, A replaced by G.
Protein change: p.Thr503Ala; replaces threonine 503 with alanine.
Molecular consequence: missense variant.
Genome position (GRCh38, 1-based): chr6:135,448,409, T>C on the plus strand (A>G on the coding strand, the complement: AHI1 is on the minus strand). VCF-style: chr6-135448409-T-C. GRCh37 (hg19) VCF-style: chr6-135769547-T-C.
Other names: c.1507A>G, p.Thr503Ala (NM_001134830.2, NM_001134832.2, NM_001350503.2 and 2 more transcripts); short protein forms T503A.
Identifiers: ClinVar variation 967754 (VCV000967754.9), dbSNP rs946149286, ClinGen allele CA148136784.
Genomic context (GRCh38, chr6:135,448,409, plus strand): 5'-TTGGACATTTTGACCACCATTCAAATGCCTCAACAACACTTAATGGGGATCGAGGCTTAG[T>C]AGGTGGGTAATATAGCTGCAAGCGAAGTTTTGAGTTGATGTTTGCATTTCCATTGGCTCC-3'
Protein context (NP_001128303.1, residues 493-513): KLRLQLYYPP[Thr503Ala]KPRSPLSVVE

ClinVar aggregate classification (germline): Uncertain significance. Review status: criteria provided, multiple submitters, no conflicts (2 of 4 stars). 2 submissions from 2 submitters: Uncertain significance (2). Last evaluated 2021-09-01.

Conditions:
Joubert syndrome. Also called: Familial aplasia of the vermis; CEREBELLOPARENCHYMAL DISORDER IV; JOUBERT-BOLTSHAUSER SYNDROME. Identifiers: Orphanet 475, MedGen C5979921, MONDO:0018772.

Allele frequency attached by ClinVar (database versions not stated): gnomAD exomes 0.00001; TOPMed 0.00001; gnomAD 0.00002 and 0.00003.
gnomAD v4.1: 8 of 1,601,008 alleles (0.0005%); highest among the groups gnomAD compares: African/African-American, 0.008%; no homozygotes.

Submissions (2):

Labcorp Genetics (formerly Invitae), Labcorp
Classification: Uncertain significance for Joubert syndrome. Last evaluated: 2021-09-01. Review status: criteria provided, single submitter. Criteria: Invitae Variant Classification Sherloc (09022015). Collection method: clinical testing. Allele origin: germline.
Comment: This sequence change replaces threonine with alanine at codon 503 of the AHI1 protein (p.Thr503Ala). The threonine residue is moderately conserved and there is a small physicochemical difference between threonine and alanine. This variant is not present in population databases (ExAC no frequency). This variant has not been reported in the literature in individuals affected with AHI1-related conditions. Algorithms developed to predict the effect of missense changes on protein structure and function output the following: SIFT: "Tolerated"; PolyPhen-2: "Benign"; Align-GVGD: "Class C0". The alanine amino acid residue is found in multiple mammalian species, which suggests that this missense change does not adversely affect protein function. In summary, the available evidence is currently insufficient to determine the role of this variant in disease. Therefore, it has been classified as a Variant of Uncertain Significance.

GeneDx
Classification: Uncertain significance. Last evaluated: 2019-12-09. Review status: criteria provided, single submitter. Criteria: GeneDx Variant Classification Process June 2021. Collection method: clinical testing. Allele origin: germline. Affected: yes.
Comment: Not observed at a significant frequency in large population cohorts (Lek et al., 2016); In silico analysis, which includes protein predictors and evolutionary conservation, supports that this variant does not alter protein structure/function; Has not been previously published as pathogenic or benign to our knowledge